The following is an entry in ClinVar:

NM_001164508.2(NEB):c.24836T>C (p.Met8279Thr)

Genes: NEB (nebulin; minus strand), RIF1 (replication timing regulatory factor 1; plus strand). Cytogenetic location: 2q23.3.
Variant type: single nucleotide variant.
Coding change: c.24836T>C on transcript NM_001164508.2 (MANE Select); coding-DNA position 24836, T replaced by C.
Protein change: p.Met8279Thr; replaces methionine 8279 with threonine.
Molecular consequence: missense variant.
Genome position (GRCh38, 1-based): chr2:151,492,424, A>G on the plus strand (T>C on the coding strand, the complement: NEB is on the minus strand). VCF-style: chr2-151492424-A-G. GRCh37 (hg19) VCF-style: chr2-152348938-A-G.
Other names: c.24836T>C, p.Met8279Thr (NM_001164507.2); c.24941T>C, p.Met8314Thr (NM_001271208.2); c.19268T>C, p.Met6423Thr (NM_004543.5); short protein forms M6423T, M8279T, M8314T.
Identifiers: ClinVar variation 1315457 (VCV001315457.2), dbSNP rs1340719168, ClinGen allele CA348774180.

ClinVar aggregate classification (germline): Uncertain significance (1 of 4 stars; one submission).

Allele frequency attached by ClinVar (database versions not stated): gnomAD exomes below 0.00001 and 0.00001; gnomAD 0.00001; TOPMed 0.00001.
gnomAD v4.1: 5 of 1,608,962 alleles (0.00031%); highest among the groups gnomAD compares: Admixed American, 0.0017%; no homozygotes.

Submission:

GeneDx
Classification: Uncertain significance. Last evaluated: 2020-02-18. Review status: criteria provided, single submitter. Criteria: GeneDx Variant Classification Process June 2021. Collection method: clinical testing. Allele origin: germline. Affected: yes.
Comment: Not observed at a significant frequency in large population cohorts (Lek et al., 2016); In silico analysis supports that this missense variant has a deleterious effect on protein structure/function; Has not been previously published as pathogenic or benign to our knowledge